The following is an entry in ClinVar:

NM_173689.7(CRB2):c.974C>T (p.Ala325Val)

Gene: CRB2 (crumbs cell polarity complex component 2; plus strand). Cytogenetic location: 9q33.3.
Variant type: single nucleotide variant.
Coding change: c.974C>T on transcript NM_173689.7 (MANE Select); coding-DNA position 974, C replaced by T.
Protein change: p.Ala325Val; replaces alanine 325 with valine.
Molecular consequence: missense variant.
Genome position (GRCh38, 1-based): chr9:123,367,606, C>T. VCF-style: chr9-123367606-C-T. GRCh37 (hg19) VCF-style: chr9-126129885-C-T.
Other names: c.974C>T (NM_173689.5); short protein forms A325V.
Identifiers: ClinVar variation 1039246 (VCV001039246.9), dbSNP rs867898611, ClinGen allele CA199631241.

ClinVar aggregate classification (germline): Uncertain significance. Review status: criteria provided, multiple submitters, no conflicts (2 of 4 stars). 2 submissions from 2 submitters: Uncertain significance (2). Last evaluated 2024-10-29.

Conditions:
Inborn genetic diseases. Identifiers: MedGen C0950123, MeSH D030342.

Allele frequency attached by ClinVar (database versions not stated): gnomAD exomes below 0.00001; gnomAD 0.00001; TOPMed 0.00003.
gnomAD v4.1: 8 of 1,564,982 alleles (0.00051%); highest among the groups gnomAD compares: African/African-American, 0.0095%; no homozygotes.

Submissions (2):

Ambry Genetics
Classification: Uncertain significance for Inborn genetic diseases. Last evaluated: 2024-10-29. Review status: criteria provided, single submitter. Criteria: Ambry Variant Classification Scheme 2023. Collection method: clinical testing. Allele origin: germline.

Labcorp Genetics (formerly Invitae), Labcorp
Classification: Uncertain significance. Last evaluated: 2020-02-26. Review status: criteria provided, single submitter. Criteria: Invitae Variant Classification Sherloc (09022015). Collection method: clinical testing. Allele origin: germline.
Comment: This sequence change replaces alanine with valine at codon 325 of the CRB2 protein (p.Ala325Val). The alanine residue is moderately conserved and there is a small physicochemical difference between alanine and valine. This variant is not present in population databases (ExAC no frequency). This variant has not been reported in the literature in individuals with CRB2-related conditions. Experimental studies and prediction algorithms are not available or were not evaluated, and the functional significance of this variant is currently unknown. In summary, the available evidence is currently insufficient to determine the role of this variant in disease. Therefore, it has been classified as a Variant of Uncertain Significance.